The following is an entry in ClinVar:

NM_006361.6(HOXB13):c.214G>C (p.Gly72Arg)

Gene: HOXB13 (homeobox B13; minus strand). Cytogenetic location: 17q21.32.
Variant type: single nucleotide variant.
Coding change: c.214G>C on transcript NM_006361.6 (MANE Select); coding-DNA position 214, G replaced by C.
Protein change: p.Gly72Arg; replaces glycine 72 with arginine.
Molecular consequence: missense variant.
Genome position (GRCh38, 1-based): chr17:48,728,380, C>G on the plus strand (G>C on the coding strand, the complement: HOXB13 is on the minus strand). VCF-style: chr17-48728380-C-G. GRCh37 (hg19) VCF-style: chr17-46805742-C-G.
Other names: short protein forms G72R.
Identifiers: ClinVar variation 2770892 (VCV002770892.3), dbSNP rs2509515723, ClinGen allele CA400107909.
Genomic context (GRCh38, chr17:48,728,380, plus strand): 5'-CTCGGCAGGAGTAGTACCCGCCTCCAAAGTAACCATAAGGCACGGGAGCTGGGGACGTCC[C>G]CTGGGGCACCCCAGGGCATGGGTGGCATTGCTTTGGCGGCTCCGCCGAGCCTGGCAGATC-3'
Protein context (NP_006352.2, residues 62-82): QCHPCPGVPQ[Gly72Arg]TSPAPVPYGY

ClinVar aggregate classification (germline): Uncertain significance (1 of 4 stars; one submission).

Submission:

Labcorp Genetics (formerly Invitae), Labcorp
Classification: Uncertain significance. Last evaluated: 2023-10-22. Review status: criteria provided, single submitter. Criteria: Invitae Variant Classification Sherloc (09022015). Collection method: clinical testing. Allele origin: germline.
Comment: This sequence change replaces glycine, which is neutral and non-polar, with arginine, which is basic and polar, at codon 72 of the HOXB13 protein (p.Gly72Arg). This variant is not present in population databases (gnomAD no frequency). This variant has not been reported in the literature in individuals affected with HOXB13-related conditions. Advanced modeling of protein sequence and biophysical properties (such as structural, functional, and spatial information, amino acid conservation, physicochemical variation, residue mobility, and thermodynamic stability) performed at Invitae indicates that this missense variant is not expected to disrupt HOXB13 protein function. In summary, the available evidence is currently insufficient to determine the role of this variant in disease. Therefore, it has been classified as a Variant of Uncertain Significance.